The following is an entry in ClinVar:

ClinVar aggregate classification (germline): Conflicting classifications of pathogenicity. Review status: criteria provided, conflicting classifications (1 of 4 stars). 6 submissions from 6 submitters: Uncertain significance (1); Benign (1); Likely benign (4). Last evaluated 2025-11-20.

Conditions:
Hereditary diffuse gastric adenocarcinoma (HDGC). Also called: DIFFUSE GASTRIC AND LOBULAR BREAST CANCER SYNDROME. Identifiers: Orphanet 26106, MedGen C1708349, MONDO:0007648, OMIM 137215.
Hereditary cancer-predisposing syndrome. Also called: Tumor predisposition; Hereditary Cancer Syndrome; Neoplastic Syndromes, Hereditary; Hereditary neoplastic syndrome. Identifiers: Orphanet 140162, MedGen C0027672, MeSH D009386, MONDO:0015356.

Allele frequency attached by ClinVar (database versions not stated): gnomAD exomes below 0.00001.
gnomAD v4.1: 4 of 1,614,194 alleles (0.00025%); highest among the groups gnomAD compares: Non-Finnish European, 0.00025%; no homozygotes.

Submissions (6):

Labcorp Genetics (formerly Invitae), Labcorp
Classification: Likely benign for Hereditary diffuse gastric adenocarcinoma. Last evaluated: 2025-11-20. Review status: criteria provided, single submitter. Criteria: Invitae Variant Classification Sherloc (09022015). Collection method: clinical testing. Allele origin: germline.

Center for Genomic Medicine, Rigshospitalet, Copenhagen University Hospital
Classification: Likely benign. Last evaluated: 2025-03-04. Review status: criteria provided, single submitter. Criteria: ACMG Guidelines, 2015. Collection method: clinical testing. Allele origin: germline.

Myriad Genetics, Inc.
Classification: Benign for Hereditary diffuse gastric adenocarcinoma. Last evaluated: 2024-09-20. Review status: criteria provided, single submitter. Criteria: Myriad Autosomal Dominant, Autosomal Recessive and X-Linked Classification Criteria (2023). Collection method: clinical testing. Allele origin: unknown.
Comment: This variant is considered benign. This variant is a silent/synonymous amino acid change and it is not expected to impact splicing.

Sema4
Classification: Likely benign for Hereditary cancer-predisposing syndrome. Last evaluated: 2020-10-06. Review status: criteria provided, single submitter. Criteria: Sema4 Curation Guidelines. Collection method: curation. Allele origin: germline.

Quest Diagnostics Nichols Institute San Juan Capistrano
Classification: Uncertain significance. Last evaluated: 2019-02-21. Review status: criteria provided, single submitter. Criteria: Quest Diagnostics criteria. Collection method: clinical testing. Allele origin: germline.

Ambry Genetics
Classification: Likely benign for Hereditary cancer-predisposing syndrome. Last evaluated: 2015-10-13. Review status: criteria provided, single submitter. Criteria: Ambry Variant Classification Scheme 2023. Collection method: clinical testing. Allele origin: germline.

NM_004360.5(CDH1):c.1779C>T (p.Pro593=)

Gene: CDH1 (cadherin 1; plus strand). Cytogenetic location: 16q22.1.
Variant type: single nucleotide variant.
Coding change: c.1779C>T on transcript NM_004360.5 (MANE Select); coding-DNA position 1779, C replaced by T.
Protein change: p.Pro593=; no amino-acid change (proline 593 retained).
Molecular consequence: synonymous variant. On other transcripts: 5 prime UTR variant (1).
Genome position (GRCh38, 1-based): chr16:68,822,068, C>T. VCF-style: chr16-68822068-C-T. GRCh37 (hg19) VCF-style: chr16-68855971-C-T.
Other names: c.1596C>T, p.Pro532= (NM_001317184.2); c.231C>T, p.Pro77= (NM_001317185.2); c.-187C>T (NM_001317186.2).
Identifiers: ClinVar variation 745156 (VCV000745156.19), dbSNP rs1596963500, ClinGen allele CA496392548.
Genomic context (GRCh38, chr16:68,822,068, plus strand): 5'-AGTTGCTACTGGAACAGGGACACTTCTGCTGATCCTGTCTGATGTGAATGACAACGCCCC[C>T]ATACCAGAACCTCGAACTATATTCTTCTGTGAGAGGAATCCAAAGCCTCAGGTCATAAAC-3'
Protein context (NP_004351.1, residues 583-603): LILSDVNDNA[Pro593=]IPEPRTIFFC